The following is an entry in ClinVar:

NM_024548.4(CEP97):c.530T>A (p.Leu177Ter)

Gene: CEP97 (centrosomal protein 97; plus strand). Cytogenetic location: 3q12.3.
Variant type: single nucleotide variant.
Coding change: c.530T>A on transcript NM_024548.4 (MANE Select); coding-DNA position 530, T replaced by A.
Protein change: p.Leu177Ter; replaces leucine 177 with a stop codon.
Molecular consequence: nonsense.
Genome position (GRCh38, 1-based): chr3:101,731,922, T>A. VCF-style: chr3-101731922-T-A. GRCh37 (hg19) VCF-style: chr3-101450766-T-A.
Other names: c.530T>A, p.Leu177Ter (NM_001303401.2); c.428T>A, p.Leu143Ter (NM_001410784.1, NM_001410785.1); short protein forms L143*, L177*.
Identifiers: ClinVar variation 1942218 (VCV001942218.5), dbSNP rs1327916528, ClinGen allele CA353886310.
Genomic context (GRCh38, chr3:101,731,922, plus strand): 5'-TCATCACCTCTCTTAGAATGGCACCTGCTTACCTACCCAGAAGTCTTGCTATACTTTCTT[T>A]GGCAGAAAATGAAATCCGAGACTTAAATGAGGTAAAATTTGAGGGTATTTTGTGAGATTC-3'

ClinVar aggregate classification (germline): Uncertain significance (1 of 4 stars; one submission).

gnomAD v4.1: 1 of 1,606,834 alleles (0.000062%); highest among the groups gnomAD compares: Admixed American, 0.0017%; no homozygotes.

Submission:

Labcorp Genetics (formerly Invitae), Labcorp
Classification: Uncertain significance. Last evaluated: 2022-09-27. Review status: criteria provided, single submitter. Criteria: Invitae Variant Classification Sherloc (09022015). Collection method: clinical testing. Allele origin: germline.
Comment: In summary, the available evidence is currently insufficient to determine the role of this variant in disease. Therefore, it has been classified as a Variant of Uncertain Significance. Algorithms developed to predict the effect of sequence changes on RNA splicing suggest that this variant may disrupt the consensus splice site. This variant has not been reported in the literature in individuals affected with CEP97-related conditions. This variant is not present in population databases (gnomAD no frequency). This sequence change creates a premature translational stop signal (p.Leu177*) in the CEP97 gene. It is expected to result in an absent or disrupted protein product. However, the current clinical and genetic evidence is not sufficient to establish whether loss-of-function variants in CEP97 cause disease.